The following is an entry in ClinVar:

NM_153240.5(NPHP3):c.3990G>A (p.Arg1330=)

Genes: NPHP3-ACAD11 (NPHP3-ACAD11 readthrough (NMD candidate); minus strand), NPHP3 (nephrocystin 3; minus strand). Cytogenetic location: 3q22.1.
Variant type: single nucleotide variant.
Coding change: c.3990G>A on transcript NM_153240.5 (MANE Select); coding-DNA position 3990, G replaced by A.
Protein change: p.Arg1330=; no amino-acid change (arginine 1330 retained).
Molecular consequence: synonymous variant.
Genome position (GRCh38, 1-based): chr3:132,681,913, C>T on the plus strand (G>A on the coding strand, the complement: NPHP3 is on the minus strand). VCF-style: chr3-132681913-C-T. GRCh37 (hg19) VCF-style: chr3-132400757-C-T.
Other names: c.3990G>A (NM_153240.4).
Identifiers: ClinVar variation 1645505 (VCV001645505.9), dbSNP rs147332157, ClinGen allele CA2621591.

ClinVar aggregate classification (germline): Likely benign. Review status: criteria provided, multiple submitters, no conflicts (2 of 4 stars). 2 submissions from 2 submitters: Likely benign (2). Last evaluated 2025-10-27.

Conditions:
NPHP3-related disorder. Also called: NPHP3-related disorders; NPHP3-related condition. Identifiers: MedGen CN379163.
Nephronophthisis. Also called: Juvenile Nephronophthisis. Identifiers: Orphanet 655, MedGen C0687120, MONDO:0019005, HP:0000090.

Allele frequency attached by ClinVar (database versions not stated): gnomAD exomes 0.00001 and 0.00005; ExAC 0.00006; ESP Exome Variant Server 0.00008; TOPMed 0.00013; gnomAD 0.00015 and 0.00016.
gnomAD v4.1: 40 of 1,613,166 alleles (0.0025%); highest among the groups gnomAD compares: African/African-American, 0.04%; no homozygotes.

Submissions (2):

PreventionGenetics, part of Exact Sciences
Classification: Likely benign for NPHP3-related condition. Last evaluated: 2025-10-27. Review status: criteria provided, single submitter. Criteria: ACMG Guidelines, 2015. Collection method: clinical testing. Allele origin: germline.
Comment: This variant is classified as likely benign based on ACMG/AMP sequence variant interpretation guidelines (Richards et al. 2015 PMID: 25741868, with internal and published modifications).

Labcorp Genetics (formerly Invitae), Labcorp
Classification: Likely benign for Nephronophthisis. Last evaluated: 2022-11-07. Review status: criteria provided, single submitter. Criteria: Invitae Variant Classification Sherloc (09022015). Collection method: clinical testing. Allele origin: germline.